The following is an entry in ClinVar:

NM_014875.3(KIF14):c.2096G>A (p.Arg699His)

Gene: KIF14 (kinesin family member 14; minus strand). Cytogenetic location: 1q32.1.
Variant type: single nucleotide variant.
Coding change: c.2096G>A on transcript NM_014875.3 (MANE Select); coding-DNA position 2096, G replaced by A.
Protein change: p.Arg699His; replaces arginine 699 with histidine.
Molecular consequence: missense variant.
Genome position (GRCh38, 1-based): chr1:200,601,952, C>T on the plus strand (G>A on the coding strand, the complement: KIF14 is on the minus strand). VCF-style: chr1-200601952-C-T. GRCh37 (hg19) VCF-style: chr1-200571080-C-T.
Other names: c.623G>A, p.Arg208His (NM_001305792.1); short protein forms R208H, R699H.
Identifiers: ClinVar variation 1308596 (VCV001308596.6), dbSNP rs147597734, ClinGen allele CA1317616.

ClinVar aggregate classification (germline): Uncertain significance. Review status: criteria provided, multiple submitters, no conflicts (2 of 4 stars). 2 submissions from 2 submitters: Uncertain significance (2). Last evaluated 2025-10-23.

Allele frequency attached by ClinVar (database versions not stated): ESP Exome Variant Server 0.00046; gnomAD 0.00050 and 0.00054; TOPMed 0.00064; 1000 Genomes Project 30x 0.00094; 1000 Genomes Project 0.00100; gnomAD exomes 0.00006 and 0.00013; ExAC 0.00018.

Submissions (2):

Women's Health and Genetics/Laboratory Corporation of America, LabCorp
Classification: Uncertain significance. Last evaluated: 2025-10-23. Review status: criteria provided, single submitter. Criteria: LabCorp Variant Classification Summary - May 2015. Collection method: clinical testing. Allele origin: germline.
Comment: Variant summary: KIF14 c.2096G>A (p.Arg699His) results in a non-conservative amino acid change located in the Kinesin motor domain (IPR001752) of the encoded protein sequence. Algorithms developed to predict the effect of missense changes on protein structure and function all suggest that this variant is likely to be disruptive. The variant allele was found at a frequency of 0.00013 in 250982 control chromosomes, predominantly at a frequency of 0.0017 within the African or African-American subpopulation in the gnomAD database. This frequency is not significantly higher than estimated for disease-causing variants in KIF14, allowing no conclusion about variant significance. To our knowledge, no occurrence of c.2096G>A in individuals affected with KIF14-related conditions and no experimental evidence demonstrating its impact on protein function have been reported. ClinVar contains an entry for this variant (Variation ID: 1308596). Based on the evidence outlined above, the variant was classified as uncertain significance.

GeneDx
Classification: Uncertain significance. Last evaluated: 2025-03-04. Review status: criteria provided, single submitter. Criteria: GeneDx Variant Classification Process June 2021. Collection method: clinical testing. Allele origin: germline. Affected: yes.
Comment: Has not been previously published as germline pathogenic or benign variant to our knowledge; In silico analysis supports that this missense variant has a deleterious effect on protein structure/function